The following is an entry in ClinVar:

ClinVar aggregate classification (germline): Uncertain significance (1 of 4 stars; one submission).

Conditions:
Cardiovascular phenotype. Identifiers: MedGen CN230736.

Submission:

Ambry Genetics
Classification: Uncertain significance for Cardiovascular phenotype. Last evaluated: 2026-03-29. Review status: criteria provided, single submitter. Criteria: Ambry Variant Classification Scheme 2023. Collection method: clinical testing. Allele origin: germline.
Comment: The p.G683R variant (also known as c.2047G>A), located in coding exon 14 of the DSG2 gene, results from a G to A substitution at nucleotide position 2047. The glycine at codon 683 is replaced by arginine, an amino acid with dissimilar properties. This amino acid position is conserved. In addition, this alteration is predicted to be tolerated by in silico analysis. Based on the available evidence, the clinical significance of this variant remains unclear.

NM_001943.5(DSG2):c.2047G>A (p.Gly683Arg)

Genes: DSG2 (desmoglein 2; plus strand), DSG2-AS1 (DSG2 antisense RNA 1; minus strand). Cytogenetic location: 18q12.1.
Variant type: single nucleotide variant.
Coding change: c.2047G>A on transcript NM_001943.5 (MANE Select); coding-DNA position 2047, G replaced by A.
Protein change: p.Gly683Arg; replaces glycine 683 with arginine.
Molecular consequence: missense variant.
Genome position (GRCh38, 1-based): chr18:31,542,565, G>A. VCF-style: chr18-31542565-G-A. GRCh37 (hg19) VCF-style: chr18-29122528-G-A.
Other names: short protein forms G683R.
Identifiers: ClinVar variation 4870109 (VCV004870109.1).